The following is an entry in ClinVar:

ClinVar aggregate classification (germline): Uncertain significance. Review status: criteria provided, single submitter (1 of 4 stars). 2 submissions from 2 submitters: Uncertain significance (1). 1 of the submissions does not count toward it. Last evaluated 2021-07-17.

Conditions:
Jeune thoracic dystrophy. Also called: Jeune syndrome; Infantile thoracic dystrophy; Thoracic pelvic phalangeal dystrophy; Jeune's syndrome; Chondroectodermal dysplasia-like syndrome; Short-rib thoracic dysplasia. Identifiers: Orphanet 474, MedGen C0265275, MONDO:0018770.
Nephronophthisis. Also called: Juvenile Nephronophthisis. Identifiers: Orphanet 655, MedGen C0687120, MONDO:0019005, HP:0000090.
TTC21B-related disorder. Also called: TTC21B-related disorders; TTC21B-related condition.

Allele frequency attached by ClinVar (database versions not stated): ExAC 0.00001; gnomAD exomes 0.00001.
gnomAD v4.1: 3 of 1,613,652 alleles (0.00019%); highest among the groups gnomAD compares: South Asian, 0.0033%; no homozygotes.

Submissions (2):

Labcorp Genetics (formerly Invitae), Labcorp
Classification: Uncertain significance for Jeune thoracic dystrophy; Nephronophthisis. Last evaluated: 2021-07-17. Review status: criteria provided, single submitter. Criteria: Invitae Variant Classification Sherloc (09022015). Collection method: clinical testing. Allele origin: germline.
Comment: This variant has not been reported in the literature in individuals affected with TTC21B-related conditions. This variant is present in population databases (rs750039189, ExAC 0.006%). This sequence change replaces serine with arginine at codon 35 of the TTC21B protein (p.Ser35Arg). The serine residue is moderately conserved and there is a moderate physicochemical difference between serine and arginine. In summary, the available evidence is currently insufficient to determine the role of this variant in disease. Therefore, it has been classified as a Variant of Uncertain Significance. Algorithms developed to predict the effect of missense changes on protein structure and function (SIFT, PolyPhen-2, Align-GVGD) all suggest that this variant is likely to be tolerated.

PreventionGenetics, part of Exact Sciences
Classification: Uncertain significance for TTC21B-related condition. Last evaluated: 2024-04-27. Review status: no assertion criteria provided. Collection method: clinical testing. Allele origin: germline. Not counted in ClinVar's aggregate classification.
Comment: The TTC21B c.105T>G variant is predicted to result in the amino acid substitution p.Ser35Arg. To our knowledge, this variant has not been reported in the literature. This variant is reported in 0.0065% of alleles in individuals of South Asian descent in gnomAD. At this time, the clinical significance of this variant is uncertain due to the absence of conclusive functional and genetic evidence.

NM_024753.5(TTC21B):c.105T>G (p.Ser35Arg)

Gene: TTC21B (tetratricopeptide repeat domain 21B; minus strand). Cytogenetic location: 2q24.3.
Variant type: single nucleotide variant.
Coding change: c.105T>G on transcript NM_024753.5 (MANE Select); coding-DNA position 105, T replaced by G.
Protein change: p.Ser35Arg; replaces serine 35 with arginine.
Molecular consequence: missense variant.
Genome position (GRCh38, 1-based): chr2:165,949,641, A>C on the plus strand (T>G on the coding strand, the complement: TTC21B is on the minus strand). VCF-style: chr2-165949641-A-C. GRCh37 (hg19) VCF-style: chr2-166806151-A-C.
Other names: c.105T>G (NM_024753.4); short protein forms S35R.
Identifiers: ClinVar variation 1480699 (VCV001480699.7), dbSNP rs750039189, ClinGen allele CA1942557.
Genomic context (GRCh38, chr2:165,949,641, plus strand): 5'-TGATTAACACGTACCTTCCATTAATGTGCCATAGGCATGATAAAACCTGAAGACTGGATC[A>C]CTTCCATACCTCTTAATTCCTTCACTGGCAACCAGTAATACATGATGGAAATATCTCTCT-3'
Protein context (NP_079029.3, residues 25-45): VASEGIKRYG[Ser35Arg]DPVFRFYHAY